The following is an entry in ClinVar:

ClinVar aggregate classification (germline): Uncertain significance (1 of 4 stars; one submission).

Conditions:
Charcot-Marie-Tooth disease dominant intermediate C (CMTDIC). Also called: CHARCOT-MARIE-TOOTH NEUROPATHY, DOMINANT INTERMEDIATE C. Identifiers: Orphanet 100045, MedGen C1842237, MONDO:0012012, OMIM 608323.

Submission:

Labcorp Genetics (formerly Invitae), Labcorp
Classification: Uncertain significance for Charcot-Marie-Tooth disease dominant intermediate C. Last evaluated: 2025-04-06. Review status: criteria provided, single submitter. Criteria: Invitae Variant Classification Sherloc (09022015). Collection method: clinical testing. Allele origin: germline.
Comment: This sequence change replaces tyrosine, which is neutral and polar, with cysteine, which is neutral and slightly polar, at codon 388 of the YARS protein (p.Tyr388Cys). This variant is not present in population databases (gnomAD no frequency). This variant has not been reported in the literature in individuals affected with YARS-related conditions. Invitae Evidence Modeling of protein sequence and biophysical properties (such as structural, functional, and spatial information, amino acid conservation, physicochemical variation, residue mobility, and thermodynamic stability) indicates that this missense variant is not expected to disrupt YARS protein function with a negative predictive value of 80%. In summary, the available evidence is currently insufficient to determine the role of this variant in disease. Therefore, it has been classified as a Variant of Uncertain Significance.

NM_003680.4(YARS1):c.1163A>G (p.Tyr388Cys)

Gene: YARS1 (tyrosyl-tRNA synthetase 1; minus strand). Cytogenetic location: 1p35.1.
Variant type: single nucleotide variant.
Coding change: c.1163A>G on transcript NM_003680.4 (MANE Select); coding-DNA position 1163, A replaced by G.
Protein change: p.Tyr388Cys; replaces tyrosine 388 with cysteine.
Molecular consequence: missense variant.
Genome position (GRCh38, 1-based): chr1:32,780,256, T>C on the plus strand (A>G on the coding strand, the complement: YARS1 is on the minus strand). VCF-style: chr1-32780256-T-C. GRCh37 (hg19) VCF-style: chr1-33245857-T-C.
Other names: short protein forms Y388C.
Identifiers: ClinVar variation 4744516 (VCV004744516.1).